The following is an entry in ClinVar:

ClinVar aggregate classification (germline): Uncertain significance (1 of 4 stars; one submission).

Conditions:
Beckwith-Wiedemann syndrome (BWS). Also called: Exomphalos macroglossia gigantism syndrome; EMG SYNDROME. Identifiers: Orphanet 116, MedGen C0004903, MONDO:0007534, OMIM 130650.

Submission:

Labcorp Genetics (formerly Invitae), Labcorp
Classification: Uncertain significance for Beckwith-Wiedemann syndrome. Last evaluated: 2026-01-08. Review status: criteria provided, single submitter. Criteria: Invitae Variant Classification Sherloc (09022015). Collection method: clinical testing. Allele origin: germline.
Comment: This sequence change replaces glutamic acid, which is acidic and polar, with glutamine, which is neutral and polar, at codon 81 of the CDKN1C protein (p.Glu81Gln). This variant is not present in population databases (gnomAD no frequency). This variant has not been reported in the literature in individuals affected with CDKN1C-related conditions. ClinVar contains an entry for this variant (Variation ID: 942320). Invitae Evidence Modeling of protein sequence and biophysical properties (such as structural, functional, and spatial information, amino acid conservation, physicochemical variation, residue mobility, and thermodynamic stability) indicates that this missense variant is not expected to disrupt CDKN1C protein function with a negative predictive value of 80%. In summary, the available evidence is currently insufficient to determine the role of this variant in disease. Therefore, it has been classified as a Variant of Uncertain Significance.

NM_001122630.2(CDKN1C):c.208G>C (p.Glu70Gln)

Gene: CDKN1C (cyclin dependent kinase inhibitor 1C; minus strand). Cytogenetic location: 11p15.4.
Variant type: single nucleotide variant.
Coding change: c.208G>C on transcript NM_001122630.2 (MANE Select); coding-DNA position 208, G replaced by C.
Protein change: p.Glu70Gln; replaces glutamic acid 70 with glutamine.
Molecular consequence: missense variant.
Genome position (GRCh38, 1-based): chr11:2,885,249, C>G on the plus strand (G>C on the coding strand, the complement: CDKN1C is on the minus strand). VCF-style: chr11-2885249-C-G. GRCh37 (hg19) VCF-style: chr11-2906479-C-G.
Other names: c.241G>C, p.Glu81Gln (NM_000076.2, NM_001362474.2); c.208G>C, p.Glu70Gln (NM_001122631.2, NM_001362475.2); short protein forms E70Q, E81Q.
Identifiers: ClinVar variation 942320 (VCV000942320.9), dbSNP rs1038466183, ClinGen allele CA216367410.